The following is an entry in ClinVar:

ClinVar aggregate classification (germline): Likely pathogenic (1 of 4 stars; one submission).

Conditions:
Tyrosinemia type II (TYRSN2). Also called: KERATOSIS PALMOPLANTARIS WITH CORNEAL DYSTROPHY; OREGON TYPE TYROSINEMIA; TAT DEFICIENCY; TYROSINE AMINOTRANSFERASE DEFICIENCY; TYROSINE TRANSAMINASE DEFICIENCY. Identifiers: Orphanet 28378, MedGen C0268487, MONDO:0010160, OMIM 276600.

Submission:

Labcorp Genetics (formerly Invitae), Labcorp
Classification: Likely pathogenic for Tyrosinemia type II. Last evaluated: 2023-04-20. Review status: criteria provided, single submitter. Criteria: Invitae Variant Classification Sherloc (09022015). Collection method: clinical testing. Allele origin: germline.
Comment: In summary, the currently available evidence indicates that the variant is pathogenic, but additional data are needed to prove that conclusively. Therefore, this variant has been classified as Likely Pathogenic. Algorithms developed to predict the effect of sequence changes on RNA splicing suggest that this variant may disrupt the consensus splice site. This variant has not been reported in the literature in individuals affected with TAT-related conditions. This variant is not present in population databases (gnomAD no frequency). This variant results in the deletion of part of exon 10 (c.1042-2_1042del) of the TAT gene. It is expected to disrupt RNA splicing. Variants that disrupt the donor or acceptor splice site typically lead to a loss of protein function (PMID: 16199547), and loss-of-function variants in TAT are known to be pathogenic (PMID: 9544843).

Literature cited by the submitters: PubMed 16199547; PubMed 9544843.

NM_000353.3(TAT):c.1042-2_1042del

Genes: TAT (tyrosine aminotransferase; minus strand), TAT-AS1 (TAT antisense RNA 1; plus strand). Cytogenetic location: 16q22.2.
Variant type: Deletion.
Coding change: c.1042-2_1042del on transcript NM_000353.3 (MANE Select); the canonical splice acceptor site of the intron before coding-DNA position 1042 through coding-DNA position 1042, 3 bases deleted (AGT; older notation c.1042-2_1042delAGT).
Molecular consequence: splice acceptor variant.
Genome position (GRCh38, 1-based): chr16:71,569,937-71,569,939, ACT deleted on the plus strand (AGT on the coding strand, the reverse complement: TAT is on the minus strand); deleting any 3 consecutive bases within chr16:71,569,937-71,569,941 gives the same sequence; the c. name uses the placement nearest the transcript's 3' end. VCF-style (leftmost placement, unchanged base first): chr16-71569936-GACT-G. GRCh37 (hg19) VCF-style: chr16-71603839-GACT-G.
Identifiers: ClinVar variation 2858036 (VCV002858036.3), dbSNP rs2507661980, ClinGen allele CA2739266885.
Genomic context (GRCh38, chr16:71,569,936, plus strand): 5'-GGGCGGACTGGCCGGAGTCCAGGGATGGCAGCCAACGCCCCATAACAGAGATCAGCATTG[GACT>G]ACAAGAAGAGGCAAGGAGAAATCAAGGATCAAAATTTAAGTAAAAGAAAAGCCAAGTCAT-3'